The following is an entry in ClinVar:

NM_001166114.2(PNPLA6):c.219G>C (p.Arg73Ser)

Gene: PNPLA6 (patatin like domain 6, lysophospholipase; plus strand). Cytogenetic location: 19p13.2.
Variant type: single nucleotide variant.
Coding change: c.219G>C on transcript NM_001166114.2 (MANE Select); coding-DNA position 219, G replaced by C.
Protein change: p.Arg73Ser; replaces arginine 73 with serine.
Molecular consequence: missense variant.
Genome position (GRCh38, 1-based): chr19:7,536,007, G>C. VCF-style: chr19-7536007-G-C. GRCh37 (hg19) VCF-style: chr19-7600893-G-C.
Other names: c.246G>C, p.Arg82Ser (NM_001166111.2); c.102G>C, p.Arg34Ser (NM_001166112.2, NM_001166113.1, NM_006702.5); short protein forms R82S, R34S, R73S.
Identifiers: ClinVar variation 2148912 (VCV002148912.4), dbSNP rs2022849004, ClinGen allele CA403096852.

ClinVar aggregate classification (germline): Uncertain significance (1 of 4 stars; one submission).

Conditions:
Hereditary spastic paraplegia 39 (SPG39). Also called: SPASTIC PARAPLEGIA 39, AUTOSOMAL RECESSIVE; Spastic Paraplegia Type 39 (SPG39). Identifiers: Orphanet 139480, MedGen C2677586, MONDO:0012787, OMIM 612020.

Allele frequency attached by ClinVar (database versions not stated): TOPMed below 0.00001.

Submission:

Labcorp Genetics (formerly Invitae), Labcorp
Classification: Uncertain significance for Hereditary spastic paraplegia 39. Last evaluated: 2022-05-31. Review status: criteria provided, single submitter. Criteria: Invitae Variant Classification Sherloc (09022015). Collection method: clinical testing. Allele origin: germline.
Comment: This variant is not present in population databases (gnomAD no frequency). This sequence change replaces arginine, which is basic and polar, with serine, which is neutral and polar, at codon 34 of the PNPLA6 protein (p.Arg34Ser). This variant has not been reported in the literature in individuals affected with PNPLA6-related conditions. In summary, the available evidence is currently insufficient to determine the role of this variant in disease. Therefore, it has been classified as a Variant of Uncertain Significance. Algorithms developed to predict the effect of missense changes on protein structure and function are either unavailable or do not agree on the potential impact of this missense change (SIFT: "Tolerated"; PolyPhen-2: "Possibly Damaging"; Align-GVGD: "Class C0").